The following is an entry in ClinVar:

NM_015559.3(SETBP1):c.4310A>G (p.Lys1437Arg)

Gene: SETBP1 (SET binding protein 1; plus strand). Cytogenetic location: 18q12.3.
Variant type: single nucleotide variant.
Coding change: c.4310A>G on transcript NM_015559.3 (MANE Select); coding-DNA position 4310, A replaced by G.
Protein change: p.Lys1437Arg; replaces lysine 1437 with arginine.
Molecular consequence: missense variant.
Genome position (GRCh38, 1-based): chr18:45,063,217, A>G. VCF-style: chr18-45063217-A-G. GRCh37 (hg19) VCF-style: chr18-42643182-A-G.
Other names: c.4310A>G, p.Lys1437Arg (NM_001379141.1, NM_001379142.1); c.4139A>G, p.Lys1380Arg (NM_001410862.1); short protein forms K1380R, K1437R.
Identifiers: ClinVar variation 4691252 (VCV004691252.1).

ClinVar aggregate classification (germline): Uncertain significance (1 of 4 stars; one submission).

gnomAD v4.1: 7 of 1,614,048 alleles (0.00043%); highest among the groups gnomAD compares: African/African-American, 0.0013%; no homozygotes.

Submission:

Labcorp Genetics (formerly Invitae), Labcorp
Classification: Uncertain significance. Last evaluated: 2025-09-07. Review status: criteria provided, single submitter. Criteria: Invitae Variant Classification Sherloc (09022015). Collection method: clinical testing. Allele origin: germline.
Comment: This sequence change replaces lysine, which is basic and polar, with arginine, which is basic and polar, at codon 1437 of the SETBP1 protein (p.Lys1437Arg). This variant is not present in population databases (gnomAD no frequency). This variant has not been reported in the literature in individuals affected with SETBP1-related conditions. Invitae Evidence Modeling of protein sequence and biophysical properties (such as structural, functional, and spatial information, amino acid conservation, physicochemical variation, residue mobility, and thermodynamic stability) indicates that this missense variant is expected to disrupt SETBP1 protein function with a positive predictive value of 80%. In summary, the available evidence is currently insufficient to determine the role of this variant in disease. Therefore, it has been classified as a Variant of Uncertain Significance.